The following is an entry in ClinVar:

NM_001211.6(BUB1B):c.1198A>T (p.Lys400Ter)

Gene: BUB1B (BUB1 mitotic checkpoint serine/threonine kinase B; plus strand). Cytogenetic location: 15q15.1.
Variant type: single nucleotide variant.
Coding change: c.1198A>T on transcript NM_001211.6 (MANE Select); coding-DNA position 1198, A replaced by T.
Protein change: p.Lys400Ter; replaces lysine 400 with a stop codon.
Molecular consequence: nonsense.
Genome position (GRCh38, 1-based): chr15:40,196,684, A>T. VCF-style: chr15-40196684-A-T. GRCh37 (hg19) VCF-style: chr15-40488885-A-T.
Other names: short protein forms K400*.
Identifiers: ClinVar variation 2916224 (VCV002916224.3), dbSNP rs1444930683, ClinGen allele CA391687371.

ClinVar aggregate classification (germline): Pathogenic (1 of 4 stars; one submission).

Conditions:
Mosaic variegated aneuploidy syndrome 1 (MVA1). Also called: Warburton-Anyane-Yeboa syndrome. Identifiers: Orphanet 1052, MedGen C1850343, MONDO:0009759, OMIM 257300.

gnomAD v4.1: 7 of 1,614,046 alleles (0.00043%); highest among the groups gnomAD compares: Non-Finnish European, 0.00059%; no homozygotes.

Submission:

Labcorp Genetics (formerly Invitae), Labcorp
Classification: Pathogenic for Mosaic variegated aneuploidy syndrome 1. Last evaluated: 2023-06-28. Review status: criteria provided, single submitter. Criteria: Invitae Variant Classification Sherloc (09022015). Collection method: clinical testing. Allele origin: germline.
Comment: For these reasons, this variant has been classified as Pathogenic. This variant has not been reported in the literature in individuals affected with BUB1B-related conditions. This variant is not present in population databases (gnomAD no frequency). This sequence change creates a premature translational stop signal (p.Lys400*) in the BUB1B gene. It is expected to result in an absent or disrupted protein product. Loss-of-function variants in BUB1B are known to be pathogenic (PMID: 15475955, 21190457).

Literature cited by the submitters: PubMed 15475955; PubMed 21190457.